The following is an entry in ClinVar:

ClinVar aggregate classification (germline): Likely benign (1 of 4 stars; one submission).

Allele frequency attached by ClinVar (database versions not stated): gnomAD 0.00001; TOPMed 0.00001.
gnomAD v4.1: 12 of 1,600,704 alleles (0.00075%); highest among the groups gnomAD compares: Middle Eastern, 0.017%; no homozygotes.

Submission:

CeGaT Center for Human Genetics Tuebingen
Classification: Likely benign. Last evaluated: 2022-10-01. Review status: criteria provided, single submitter. Criteria: CeGaT Center For Human Genetics Tuebingen Variant Classification Criteria Version 2. Collection method: clinical testing. Allele origin: germline. Affected: yes. Observed: 1 variant allele.
Comment: POU5F1B: BP4, BP7

NM_001159542.3(POU5F1B):c.1044C>T (p.Ser348=)

Genes: CASC8 (cancer susceptibility 8; minus strand), POU5F1B (POU class 5 homeobox 1B; plus strand). Cytogenetic location: 8q24.21.
Variant type: single nucleotide variant.
Coding change: c.1044C>T on transcript NM_001159542.3 (MANE Select); coding-DNA position 1044, C replaced by T.
Protein change: p.Ser348=; no amino-acid change (serine 348 retained).
Molecular consequence: synonymous variant.
Genome position (GRCh38, 1-based): chr8:127,416,910, C>T. VCF-style: chr8-127416910-C-T. GRCh37 (hg19) VCF-style: chr8-128429155-C-T.
Other names: c.1044C>T, p.Ser348= (NM_001395745.1).
Identifiers: ClinVar variation 2658808 (VCV002658808.24), dbSNP rs397839847, ClinGen allele CA4875151.
Genomic context (GRCh38, chr8:127,416,910, plus strand): 5'-CTTCACTGCACTGTACTCCTCAGTCCCTTTCCCTGAGGGGGAAGTCTTTCCCCCAGTCTC[C>T]GTCATCACTCTGGGCTCTCCCATGCATTCAAACTGAGGTGCCTGCCCTTCTAGGAATGGG-3'
Protein context (NP_001153014.1, residues 338-358): FPEGEVFPPV[Ser348=]VITLGSPMHS